The following is an entry in ClinVar:

NM_004462.5(FDFT1):c.260C>G (p.Thr87Ser)

Gene: FDFT1 (farnesyl-diphosphate farnesyltransferase 1). Cytogenetic location: 8p23.1.
Variant type: single nucleotide variant.
Coding change: c.260C>G on transcript NM_004462.5 (MANE Select); coding-DNA position 260, C replaced by G.
Protein change: p.Thr87Ser; replaces threonine 87 with serine.
Molecular consequence: missense variant. On other transcripts: intron variant (1).
Genome position (GRCh38, 1-based): chr8:11,809,729, C>G. VCF-style: chr8-11809729-C-G. GRCh37 (hg19) VCF-style: chr8-11667238-C-G.
Other names: c.260C>G, p.Thr87Ser (NM_001287742.2, NM_001287743.2); c.68C>G, p.Thr23Ser (NM_001287744.2, NM_001287745.2, NM_001287747.2 and 2 more transcripts); c.437C>G, p.Thr146Ser (NM_001287750.2); c.5C>G, p.Thr2Ser (NM_001287751.2); c.64+6819C>G (NM_001287756.2); short protein forms T146S, T23S, T2S, T87S.
Identifiers: ClinVar variation 3045075 (VCV003045075.2), dbSNP rs200217031, ClinGen allele CA4631706.

ClinVar aggregate classification (germline): Likely benign (0 of 4 stars; one submission).

Conditions:
FDFT1-related disorder. Also called: FDFT1-related condition.

Allele frequency attached by ClinVar (database versions not stated): ExAC 0.00040; 1000 Genomes Project 30x 0.00141; 1000 Genomes Project 0.00160.
gnomAD v4.1: 150 of 1,614,036 alleles (0.0093%); highest among the groups gnomAD compares: East Asian, 0.27%; no homozygotes.

Submission:

PreventionGenetics, part of Exact Sciences
Classification: Likely benign for FDFT1-related condition. Last evaluated: 2019-10-03. Review status: no assertion criteria provided. Collection method: clinical testing. Allele origin: germline.
Comment: This variant is classified as likely benign based on ACMG/AMP sequence variant interpretation guidelines (Richards et al. 2015 PMID: 25741868, with internal and published modifications).